The following is an entry in ClinVar:

ClinVar aggregate classification (germline): Uncertain significance. Review status: criteria provided, multiple submitters, no conflicts (2 of 4 stars). 3 submissions from 3 submitters: Uncertain significance (3). Last evaluated 2024-04-08.

Allele frequency attached by ClinVar (database versions not stated): gnomAD exomes below 0.00001; TOPMed below 0.00001; gnomAD 0.00001.
gnomAD v4.1: 3 of 1,613,732 alleles (0.00019%); highest among the groups gnomAD compares: Non-Finnish European, 0.00025%; no homozygotes.

Submissions (3):

Blueprint Genetics
Classification: Uncertain significance. Last evaluated: 2024-04-08. Review status: criteria provided, single submitter. Criteria: ACMG Guidelines, 2015. Collection method: clinical testing. Allele origin: germline.

Women's Health and Genetics/Laboratory Corporation of America, LabCorp
Classification: Uncertain significance. Last evaluated: 2023-10-24. Review status: criteria provided, single submitter. Criteria: LabCorp Variant Classification Summary - May 2015. Collection method: clinical testing. Allele origin: germline.
Comment: Variant summary: UBTF c.497A>G (p.Gln166Arg) results in a conservative amino acid change located in the High mobility group box domain (IPR009071) of the encoded protein sequence. Three of five in-silico tools predict a damaging effect of the variant on protein function. The variant was absent in 251188 control chromosomes (gnomAD). The available data on variant occurrences in the general population are insufficient to allow any conclusion about variant significance. To our knowledge, no occurrence of c.497A>G in individuals affected with Childhood-Onset Motor And Cognitive Regression Syndrome With Extrapyramidal Movement Disorder and no experimental evidence demonstrating its impact on protein function have been reported. One submitter has cited clinical-significance assessments for this variant to ClinVar after 2014 and has classified the variant as uncertain significance. Based on the evidence outlined above, the variant was classified as uncertain significance.

GeneDx
Classification: Uncertain significance. Last evaluated: 2020-02-07. Review status: criteria provided, single submitter. Criteria: GeneDx Variant Classification Process June 2021. Collection method: clinical testing. Allele origin: germline. Affected: yes.
Comment: In silico analysis supports that this missense variant does not alter protein structure/function; Has not been previously published as pathogenic or benign to our knowledge

NM_014233.4(UBTF):c.497A>G (p.Gln166Arg)

Genes: ATXN7L3-AS1 (ATXN7L3 antisense RNA 1; plus strand), UBTF (upstream binding transcription factor; minus strand). Cytogenetic location: 17q21.31.
Variant type: single nucleotide variant.
Coding change: c.497A>G on transcript NM_014233.4 (MANE Select); coding-DNA position 497, A replaced by G.
Protein change: p.Gln166Arg; replaces glutamine 166 with arginine.
Molecular consequence: missense variant. On other transcripts: non-coding transcript variant (1).
Genome position (GRCh38, 1-based): chr17:44,213,260, T>C on the plus strand (A>G on the coding strand, the complement: UBTF is on the minus strand). VCF-style: chr17-44213260-T-C. GRCh37 (hg19) VCF-style: chr17-42290628-T-C.
Other names: c.497A>G, p.Gln166Arg (NM_001076683.2, NM_001076684.3); short protein forms Q166R.
Identifiers: ClinVar variation 1314017 (VCV001314017.4), dbSNP rs1426632040, ClinGen allele CA399766459.